The following is an entry in ClinVar:

ClinVar aggregate classification (germline): Uncertain significance (1 of 4 stars; one submission).

Allele frequency attached by ClinVar (database versions not stated): ExAC 0.00001.

Submission:

Ambry Genetics
Classification: Uncertain significance. Last evaluated: 2023-03-15. Review status: criteria provided, single submitter. Criteria: Ambry Variant Classification Scheme 2023. Collection method: clinical testing. Allele origin: germline.
Comment: The p.T47N variant (also known as c.140C>A), located in coding exon 3 of the BUB1 gene, results from a C to A substitution at nucleotide position 140. The threonine at codon 47 is replaced by asparagine, an amino acid with similar properties. This amino acid position is conserved. In addition, this alteration is predicted to be tolerated by in silico analysis. Since supporting evidence is limited at this time, the clinical significance of this alteration remains unclear.

NM_004336.5(BUB1):c.140C>A (p.Thr47Asn)

Gene: BUB1 (BUB1 mitotic checkpoint serine/threonine kinase; minus strand). Cytogenetic location: 2q13.
Variant type: single nucleotide variant.
Coding change: c.140C>A on transcript NM_004336.5 (MANE Select); coding-DNA position 140, C replaced by A.
Protein change: p.Thr47Asn; replaces threonine 47 with asparagine.
Molecular consequence: missense variant.
Genome position (GRCh38, 1-based): chr2:110,674,171, G>T on the plus strand (C>A on the coding strand, the complement: BUB1 is on the minus strand). VCF-style: chr2-110674171-G-T. GRCh37 (hg19) VCF-style: chr2-111431748-G-T.
Other names: c.80C>A, p.Thr27Asn (NM_001278616.2); c.140C>A, p.Thr47Asn (NM_001278617.2); short protein forms T47N, T27N.
Identifiers: ClinVar variation 2565774 (VCV002565774.2), dbSNP rs762262674, ClinGen allele CA1828445.
Genomic context (GRCh38, chr2:110,674,171, plus strand): 5'-CTTGGGTCATTGTGGTATTTCTTCTTATCTAAAAATTCCTTCATTAAATGTTCTAGTAAA[G>T]TTATCAAGTATTCTTTATTCTCAGGAAAATTCTCTTCTACCCACTGTATGTATCTAGAAA-3'
Protein context (NP_004327.1, residues 37-57): NFPENKEYLI[Thr47Asn]LLEHLMKEFL